The following is an entry in ClinVar:

ClinVar aggregate classification (germline): Likely benign. Review status: criteria provided, multiple submitters, no conflicts (2 of 4 stars). 3 submissions from 3 submitters: Likely benign (3). Last evaluated 2025-10-01.

Conditions:
Primary dilated cardiomyopathy (DCM). Also called: Dilated Cardiomyopathy. Identifiers: Orphanet 217604, MedGen C0007193, MeSH D002311, MONDO:0005021, HP:0001644. Inheritance: Various modes of inheritance.
Cardiovascular phenotype. Identifiers: MedGen CN230736.

Allele frequency attached by ClinVar (database versions not stated): gnomAD exomes 0.00002; ExAC 0.00003; TOPMed 0.00003; gnomAD 0.00004; ESP Exome Variant Server 0.00008.
gnomAD v4.1: 34 of 1,614,092 alleles (0.0021%); highest among the groups gnomAD compares: Non-Finnish European, 0.0028%; no homozygotes.

Submissions (3):

CeGaT Center for Human Genetics Tuebingen
Classification: Likely benign. Last evaluated: 2025-10-01. Review status: criteria provided, single submitter. Criteria: CeGaT Center For Human Genetics Tuebingen Variant Classification Criteria Version 2. Collection method: clinical testing. Allele origin: germline. Affected: yes. Observed: 1 variant allele.
Comment: TXNRD2: BP4, BP7

Ambry Genetics
Classification: Likely benign for Cardiovascular phenotype. Last evaluated: 2024-11-15. Review status: criteria provided, single submitter. Criteria: Ambry Variant Classification Scheme 2023. Collection method: clinical testing. Allele origin: germline.

Labcorp Genetics (formerly Invitae), Labcorp
Classification: Likely benign for Primary dilated cardiomyopathy. Last evaluated: 2021-09-26. Review status: criteria provided, single submitter. Criteria: Invitae Variant Classification Sherloc (09022015). Collection method: clinical testing. Allele origin: germline.

NM_006440.5(TXNRD2):c.507C>T (p.Gly169=)

Gene: TXNRD2 (thioredoxin reductase 2; minus strand). Cytogenetic location: 22q11.21.
Variant type: single nucleotide variant.
Coding change: c.507C>T on transcript NM_006440.5 (MANE Select); coding-DNA position 507, C replaced by T.
Protein change: p.Gly169=; no amino-acid change (glycine 169 retained).
Molecular consequence: synonymous variant. On other transcripts: non-coding transcript variant (1).
Genome position (GRCh38, 1-based): chr22:19,915,786, G>A on the plus strand (C>T on the coding strand, the complement: TXNRD2 is on the minus strand). VCF-style: chr22-19915786-G-A. GRCh37 (hg19) VCF-style: chr22-19903309-G-A.
Other names: c.507C>T (NM_006440.3); c.507C>T, p.Gly169= (NM_001282512.3); c.504C>T, p.Gly168= (NM_001352300.2); c.417C>T, p.Gly139= (NM_001352301.2); c.219C>T, p.Gly73= (NM_001352302.2); c.411C>T, p.Gly137= (NM_001352303.2).
Identifiers: ClinVar variation 1148508 (VCV001148508.16), dbSNP rs374068797, ClinGen allele CA10104176.